The following is an entry in ClinVar:

ClinVar aggregate classification (germline): Uncertain significance. Review status: criteria provided, multiple submitters, no conflicts (2 of 4 stars). 2 submissions from 2 submitters: Uncertain significance (2). Last evaluated 2025-11-13.

Conditions:
Inborn genetic diseases. Identifiers: MedGen C0950123, MeSH D030342.

gnomAD v4.1: 14 of 1,613,592 alleles (0.00087%); highest among the groups gnomAD compares: Admixed American, 0.012%; no homozygotes.

Submissions (2):

Ambry Genetics
Classification: Uncertain significance for Inborn genetic diseases. Last evaluated: 2025-11-13. Review status: criteria provided, single submitter. Criteria: Ambry Variant Classification Scheme 2023. Collection method: clinical testing. Allele origin: germline.

Labcorp Genetics (formerly Invitae), Labcorp
Classification: Uncertain significance. Last evaluated: 2025-10-17. Review status: criteria provided, single submitter. Criteria: Invitae Variant Classification Sherloc (09022015). Collection method: clinical testing. Allele origin: germline.
Comment: This sequence change replaces cysteine, which is neutral and slightly polar, with tryptophan, which is neutral and slightly polar, at codon 1875 of the FAT1 protein (p.Cys1875Trp). This variant is present in population databases (rs767630301, gnomAD 0.003%). This variant has not been reported in the literature in individuals affected with FAT1-related conditions. Invitae Evidence Modeling of protein sequence and biophysical properties (such as structural, functional, and spatial information, amino acid conservation, physicochemical variation, residue mobility, and thermodynamic stability) indicates that this missense variant is not expected to disrupt FAT1 protein function with a negative predictive value of 80%. In summary, the available evidence is currently insufficient to determine the role of this variant in disease. Therefore, it has been classified as a Variant of Uncertain Significance.

NM_005245.4(FAT1):c.5625C>G (p.Cys1875Trp)

Gene: FAT1 (FAT atypical cadherin 1; minus strand). Cytogenetic location: 4q35.2.
Variant type: single nucleotide variant.
Coding change: c.5625C>G on transcript NM_005245.4 (MANE Select); coding-DNA position 5625, C replaced by G.
Protein change: p.Cys1875Trp; replaces cysteine 1875 with tryptophan.
Molecular consequence: missense variant.
Genome position (GRCh38, 1-based): chr4:186,620,961, G>C on the plus strand (C>G on the coding strand, the complement: FAT1 is on the minus strand). VCF-style: chr4-186620961-G-C. GRCh37 (hg19) VCF-style: chr4-187542115-G-C.
Other names: c.5625C>G, p.Cys1875Trp (NM_001440455.1, NM_001440456.1, NM_001440457.1); short protein forms C1875W.
Identifiers: ClinVar variation 4619727 (VCV004619727.2).
Genomic context (GRCh38, chr4:186,620,961, plus strand): 5'-TCCTTTGTATGTTGGTAACAAAAGAGATGCTTCATATAATGGCTTGGCAAACACAGGGGG[G>C]CAGTCATTAATGTCAATTACATGTACTGTTACATTCGCTGCATACTCAGCAAATAAACGT-3'
Protein context (NP_005236.2, residues 1865-1885): VTVHVIDIND[Cys1875Trp]PPVFAKPLYE